The following is an entry in ClinVar:

ClinVar aggregate classification (germline): Likely benign (1 of 4 stars; one submission).

Allele frequency attached by ClinVar (database versions not stated): 1000 Genomes Project 0.00260; 1000 Genomes Project 30x 0.00265; gnomAD 0.00385; TOPMed 0.00478; ExAC 0.00586.
gnomAD v4.1: 7,182 of 1,531,282 alleles (0.47%); highest among the groups gnomAD compares: Middle Eastern, 0.6%; 31 homozygotes.

Submission:

CeGaT Center for Human Genetics Tuebingen
Classification: Likely benign. Last evaluated: 2023-01-01. Review status: criteria provided, single submitter. Criteria: CeGaT Center For Human Genetics Tuebingen Variant Classification Criteria Version 2. Collection method: clinical testing. Allele origin: germline. Affected: yes. Observed: 1 variant allele.
Comment: ARHGEF38: BP4, BS2

NM_001242729.2(ARHGEF38):c.979C>T (p.Leu327=)

Gene: ARHGEF38 (Rho guanine nucleotide exchange factor 38; plus strand). Cytogenetic location: 4q24.
Variant type: single nucleotide variant.
Coding change: c.979C>T on transcript NM_001242729.2 (MANE Select); coding-DNA position 979, C replaced by T.
Protein change: p.Leu327=; no amino-acid change (leucine 327 retained).
Molecular consequence: synonymous variant.
Genome position (GRCh38, 1-based): chr4:105,648,653, C>T. VCF-style: chr4-105648653-C-T. GRCh37 (hg19) VCF-style: chr4-106569810-C-T.
Identifiers: ClinVar variation 2655002 (VCV002655002.24), dbSNP rs138832734, ClinGen allele CA3033134.